The following is an entry in ClinVar:

ClinVar aggregate classification (germline): Uncertain significance (1 of 4 stars; one submission).

Conditions:
Autosomal recessive severe congenital neutropenia due to G6PC3 deficiency. Also called: NEUTROPENIA, SEVERE CONGENITAL, 4, AUTOSOMAL RECESSIVE; G6PC3 Deficiency. Identifiers: Orphanet 331176, MedGen C2751630, MONDO:0012930, OMIM 612541.

Allele frequency attached by ClinVar (database versions not stated): ExAC 0.00007; TOPMed 0.00026; gnomAD 0.00030 and 0.00035; 1000 Genomes Project 30x 0.00062; ESP Exome Variant Server 0.00031; 1000 Genomes Project 0.00040.
gnomAD v4.1: 82 of 1,613,058 alleles (0.0051%); highest among the groups gnomAD compares: African/African-American, 0.1%; no homozygotes.

Submission:

Labcorp Genetics (formerly Invitae), Labcorp
Classification: Uncertain significance for Autosomal recessive severe congenital neutropenia due to G6PC3 deficiency. Last evaluated: 2022-11-01. Review status: criteria provided, single submitter. Criteria: Invitae Variant Classification Sherloc (09022015). Collection method: clinical testing. Allele origin: germline.
Comment: This sequence change replaces serine, which is neutral and polar, with arginine, which is basic and polar, at codon 336 of the G6PC3 protein (p.Ser336Arg). This variant is present in population databases (rs141431274, gnomAD 0.1%). This variant has not been reported in the literature in individuals affected with G6PC3-related conditions. ClinVar contains an entry for this variant (Variation ID: 656260). Advanced modeling of protein sequence and biophysical properties (such as structural, functional, and spatial information, amino acid conservation, physicochemical variation, residue mobility, and thermodynamic stability) performed at Invitae indicates that this missense variant is not expected to disrupt G6PC3 protein function. In summary, the available evidence is currently insufficient to determine the role of this variant in disease. Therefore, it has been classified as a Variant of Uncertain Significance.

NM_138387.4(G6PC3):c.1006A>C (p.Ser336Arg)

Gene: G6PC3 (glucose-6-phosphatase catalytic subunit 3; plus strand). Cytogenetic location: 17q21.31.
Variant type: single nucleotide variant.
Coding change: c.1006A>C on transcript NM_138387.4 (MANE Select); coding-DNA position 1006, A replaced by C.
Protein change: p.Ser336Arg; replaces serine 336 with arginine.
Molecular consequence: missense variant. On other transcripts: 3 prime UTR variant (1).
Genome position (GRCh38, 1-based): chr17:44,076,008, A>C. VCF-style: chr17-44076008-A-C. GRCh37 (hg19) VCF-style: chr17-42153376-A-C.
Other names: c.*299A>C (NM_001319945.2); c.661A>C, p.Ser221Arg (NM_001384165.1, NM_001384166.1, NM_001384167.1 and 1 more transcripts); short protein forms S336R, S221R.
Identifiers: ClinVar variation 656260 (VCV000656260.4), dbSNP rs141431274, ClinGen allele CA8596195.